The following is an entry in ClinVar:

ClinVar aggregate classification (germline): Pathogenic (1 of 4 stars; one submission).

Conditions:
Ataxia-telangiectasia syndrome (AT). Also called: Ataxia-telangiectasia, complementation group D; AT, COMPLEMENTATION GROUP C; ATAXIA-TELANGIECTASIA, COMPLEMENTATION GROUP A; ATAXIA-TELANGIECTASIA, FRESNO VARIANT; Ataxia-telangiectasia; Ataxia-telangiectasia, complementation group E. Identifiers: Orphanet 100, MedGen C0004135, MONDO:0008840, OMIM 208900.

Submission:

Labcorp Genetics (formerly Invitae), Labcorp
Classification: Pathogenic for Ataxia-telangiectasia syndrome. Last evaluated: 2024-12-13. Review status: criteria provided, single submitter. Criteria: Invitae Variant Classification Sherloc (09022015). Collection method: clinical testing. Allele origin: germline.
Comment: This sequence change creates a premature translational stop signal (p.Val3032*) in the ATM gene. While this is not anticipated to result in nonsense mediated decay, it is expected to disrupt the last 25 amino acid(s) of the ATM protein. This variant is not present in population databases (gnomAD no frequency). This variant has not been reported in the literature in individuals affected with ATM-related conditions. This variant disrupts a region of the ATM protein in which other variant(s) (p.Arg3047*) have been determined to be pathogenic (PMID: 8755918, 10980530, 18560558, 19691550, 26628246). This suggests that this is a clinically significant region of the protein, and that variants that disrupt it are likely to be disease-causing. For these reasons, this variant has been classified as Pathogenic.

Literature cited by the submitters: PubMed 8755918; PubMed 10980530; PubMed 18560558; PubMed 19691550; PubMed 26628246.

NM_000051.4(ATM):c.9093del (p.Gln3031_Val3032insTer)

Genes: ATM (ATM serine/threonine kinase; plus strand), C11orf65 (chromosome 11 open reading frame 65; minus strand). Cytogenetic location: 11q22.3.
Variant type: Deletion.
Coding change: c.9093del on transcript NM_000051.4 (MANE Select); coding-DNA position 9093, one base deleted (A; older notation c.9093delA).
Protein change: p.Gln3031_Val3032insTer.
Molecular consequence: frameshift variant. On other transcripts: intron variant (2).
Genome position (GRCh38, 1-based): chr11:108,365,430, A deleted; the last of 2 consecutive A bases (chr11:108,365,429-108,365,430); deleting either gives the same sequence. VCF-style (leftmost placement, unchanged base first): chr11-108365428-CA-C. GRCh37 (hg19) VCF-style: chr11-108236155-CA-C.
Other names: c.9093del, p.Gln3031_Val3032insTer (NM_001351834.2); c.640+20491del (NM_001330368.2); c.694+20491del (NM_001351110.2).
Identifiers: ClinVar variation 3722899 (VCV003722899.2).